The following is an entry in ClinVar:

ClinVar aggregate classification (germline): Likely benign. Review status: criteria provided, multiple submitters, no conflicts (2 of 4 stars). 5 submissions from 5 submitters: Likely benign (4). 1 of the submissions does not count toward it. Last evaluated 2024-08-01.

Conditions:
HDAC4-related disorder. Also called: HDAC4-related condition.
Inborn genetic diseases. Identifiers: MedGen C0950123, MeSH D030342.

Allele frequency attached by ClinVar (database versions not stated): gnomAD exomes 0.00010; ExAC 0.00012; 1000 Genomes Project 30x 0.00016; gnomAD 0.00027; TOPMed 0.00030; ESP Exome Variant Server 0.00038.
gnomAD v4.1: 315 of 1,611,718 alleles (0.02%); highest among the groups gnomAD compares: African/African-American, 0.053%; no homozygotes.

Submissions (5):

CeGaT Center for Human Genetics Tuebingen
Classification: Likely benign. Last evaluated: 2024-08-01. Review status: criteria provided, single submitter. Criteria: CeGaT Center For Human Genetics Tuebingen Variant Classification Criteria Version 2. Collection method: clinical testing. Allele origin: germline. Affected: yes. Observed: 1 variant allele.
Comment: HDAC4: BP4, BS2

Blueprint Genetics
Classification: Likely benign. Last evaluated: 2023-12-05. Review status: criteria provided, single submitter. Criteria: ACMG Guidelines, 2015. Collection method: clinical testing. Allele origin: germline.

Ambry Genetics
Classification: Likely benign for Inborn genetic diseases. Last evaluated: 2022-12-21. Review status: criteria provided, single submitter. Criteria: Ambry Variant Classification Scheme 2023. Collection method: clinical testing. Allele origin: germline.

Labcorp Genetics (formerly Invitae), Labcorp
Classification: Likely benign. Last evaluated: 2019-12-07. Review status: criteria provided, single submitter. Criteria: Invitae Variant Classification Sherloc (09022015). Collection method: clinical testing. Allele origin: germline.

PreventionGenetics, part of Exact Sciences
Classification: Likely benign for HDAC4-related condition. Last evaluated: 2023-11-06. Review status: no assertion criteria provided. Collection method: clinical testing. Allele origin: germline. Not counted in ClinVar's aggregate classification.
Comment: This variant is classified as likely benign based on ACMG/AMP sequence variant interpretation guidelines (Richards et al. 2015 PMID: 25741868, with internal and published modifications).

NM_001378414.1(HDAC4):c.1643G>A (p.Arg548Gln)

Gene: HDAC4 (histone deacetylase 4; minus strand). Cytogenetic location: 2q37.3.
Variant type: single nucleotide variant.
Coding change: c.1643G>A on transcript NM_001378414.1 (MANE Select); coding-DNA position 1643, G replaced by A.
Protein change: p.Arg548Gln; replaces arginine 548 with glutamine.
Molecular consequence: missense variant.
Genome position (GRCh38, 1-based): chr2:239,115,201, C>T on the plus strand (G>A on the coding strand, the complement: HDAC4 is on the minus strand). VCF-style: chr2-239115201-C-T. GRCh37 (hg19) VCF-style: chr2-240036897-C-T.
Other names: c.1643G>A, p.Arg548Gln (NM_001378415.1); c.1628G>A, p.Arg543Gln (NM_001378416.1, NM_001378417.1, NM_006037.4); c.1628G>A (NM_006037.3); short protein forms R543Q, R548Q.
Identifiers: ClinVar variation 1115109 (VCV001115109.26), dbSNP rs146432988, ClinGen allele CA2199736.